The following is an entry in ClinVar:

ClinVar aggregate classification (germline): Conflicting classifications of pathogenicity. Review status: criteria provided, conflicting classifications (1 of 4 stars). 4 submissions from 4 submitters: Uncertain significance (1); Benign (2); Likely benign (1). Last evaluated 2026-01-04.

Conditions:
GNB3-related condition.
Inborn genetic diseases. Identifiers: MedGen C0950123, MeSH D030342.

Allele frequency attached by ClinVar (database versions not stated): gnomAD exomes 0.00033 and 0.00056; ExAC 0.00074; gnomAD 0.00208 and 0.00219; TOPMed 0.00254; ESP Exome Variant Server 0.00269; 1000 Genomes Project 0.00280; 1000 Genomes Project 30x 0.00328.
gnomAD v4.1: 809 of 1,614,174 alleles (0.05%); highest among the groups gnomAD compares: African/African-American, 0.71%; 2 homozygotes.

Submissions (6):

Labcorp Genetics (formerly Invitae), Labcorp
Classification: Benign. Last evaluated: 2026-01-04. Review status: criteria provided, single submitter. Criteria: Invitae Variant Classification Sherloc (09022015). Collection method: clinical testing. Allele origin: germline.

Ambry Genetics
Classification: Uncertain significance for Inborn genetic diseases. Last evaluated: 2025-08-20. Review status: criteria provided, single submitter. Criteria: Ambry Variant Classification Scheme 2023. Collection method: clinical testing. Allele origin: germline.

PreventionGenetics, part of Exact Sciences
Classification: Benign for GNB3-related condition. Last evaluated: 2025-07-16. Review status: criteria provided, single submitter. Criteria: ACMG Guidelines, 2015. Collection method: clinical testing. Allele origin: germline.
Comment: This variant is classified as benign based on ACMG/AMP sequence variant interpretation guidelines (Richards et al. 2015 PMID: 25741868, with internal and published modifications).

Blueprint Genetics
Classification: Likely benign. Last evaluated: 2024-11-13. Review status: criteria provided, single submitter. Criteria: ACMG Guidelines, 2015. Collection method: clinical testing. Allele origin: germline.

Dr. Peter K. Rogan Lab, Western University
No classification provided (evidence only). Condition: Clear cell carcinoma of kidney. Review status: no classification provided. Collection method: in vitro. Allele origin: not applicable. Functional consequence: retained intron. Not counted in ClinVar's aggregate classification.

Dr. Peter K. Rogan Lab, Western University
No classification provided (evidence only). Condition: Ovarian serous cystadenocarcinoma. Review status: no classification provided. Collection method: in vitro. Allele origin: not applicable. Functional consequence: retained intron. Not counted in ClinVar's aggregate classification.

NM_002075.4(GNB3):c.401A>G (p.Lys134Arg)

Gene: GNB3 (G protein subunit beta 3; plus strand). Cytogenetic location: 12p13.31.
Variant type: single nucleotide variant.
Coding change: c.401A>G on transcript NM_002075.4 (MANE Select); coding-DNA position 401, A replaced by G.
Protein change: p.Lys134Arg; replaces lysine 134 with arginine.
Molecular consequence: missense variant.
Genome position (GRCh38, 1-based): chr12:6,843,496, A>G. VCF-style: chr12-6843496-A-G. GRCh37 (hg19) VCF-style: chr12-6952660-A-G.
Other names: c.401A>G (NM_002075.2); c.401A>G, p.Lys134Arg (NM_001297571.2); short protein forms K134R.
Identifiers: ClinVar variation 708944 (VCV000708944.14), dbSNP rs61747607, ClinGen allele CA6417523.